The following is an entry in ClinVar:

NM_001199138.2(NLRC4):c.2521+1G>A

Gene: NLRC4 (NLR family CARD domain containing 4; minus strand). Cytogenetic location: 2p22.3.
Variant type: single nucleotide variant.
Coding change: c.2521+1G>A on transcript NM_001199138.2 (MANE Select); the canonical splice donor site of the intron after coding-DNA position 2521, G replaced by A.
Molecular consequence: splice donor variant.
Genome position (GRCh38, 1-based): chr2:32,238,131, C>T on the plus strand (G>A on the coding strand, the complement: NLRC4 is on the minus strand). VCF-style: chr2-32238131-C-T. GRCh37 (hg19) VCF-style: chr2-32463200-C-T.
Other names: c.526+1G>A (NM_001302504.1); c.2521+1G>A (NM_021209.4, NM_001199139.1).
Identifiers: ClinVar variation 3750142 (VCV003750142.2).

ClinVar aggregate classification (germline): Uncertain significance (1 of 4 stars; one submission).

Conditions:
Periodic fever-infantile enterocolitis-autoinflammatory syndrome. Also called: Autoinflammation with infantile enterocolitis. Identifiers: Orphanet 436166, MedGen C4015067, MONDO:0014472, OMIM 616050.
Familial cold autoinflammatory syndrome 4 (FCAS4). Identifiers: Orphanet 47045, Orphanet 576349, MedGen C4015276, MONDO:0014498, OMIM 616115.

Submission:

Labcorp Genetics (formerly Invitae), Labcorp
Classification: Uncertain significance for Periodic fever-infantile enterocolitis-autoinflammatory syndrome; Familial cold autoinflammatory syndrome 4. Last evaluated: 2024-03-26. Review status: criteria provided, single submitter. Criteria: Invitae Variant Classification Sherloc (09022015). Collection method: clinical testing. Allele origin: germline.
Comment: This sequence change affects a donor splice site in intron 6 of the NLRC4 gene. It is expected to disrupt RNA splicing. Variants that disrupt the donor or acceptor splice site typically lead to a loss of protein function (PMID: 16199547), however the current clinical and genetic evidence is not sufficient to establish whether loss-of-function variants in NLRC4 cause disease. This variant is present in population databases (no rsID available, gnomAD 0.0009%). This variant has not been reported in the literature in individuals affected with NLRC4-related conditions. Algorithms developed to predict the effect of sequence changes on RNA splicing suggest that this variant may disrupt the consensus splice site. In summary, the available evidence is currently insufficient to determine the role of this variant in disease. Therefore, it has been classified as a Variant of Uncertain Significance.

Literature cited by the submitters: PubMed 16199547.